The following is an entry in ClinVar:

NM_005633.4(SOS1):c.2860G>C (p.Glu954Gln)

Gene: SOS1 (SOS Ras/Rac guanine nucleotide exchange factor 1; minus strand). Cytogenetic location: 2p22.1.
Variant type: single nucleotide variant.
Coding change: c.2860G>C on transcript NM_005633.4 (MANE Select); coding-DNA position 2860, G replaced by C.
Protein change: p.Glu954Gln; replaces glutamic acid 954 with glutamine.
Molecular consequence: missense variant.
Genome position (GRCh38, 1-based): chr2:38,997,357, C>G on the plus strand (G>C on the coding strand, the complement: SOS1 is on the minus strand). VCF-style: chr2-38997357-C-G. GRCh37 (hg19) VCF-style: chr2-39224498-C-G.
Other names: c.2839G>C, p.Glu947Gln (NM_001382394.1); c.2860G>C, p.Glu954Gln (NM_001382395.1); short protein forms E947Q, E954Q.
Identifiers: ClinVar variation 1796958 (VCV001796958.2), dbSNP rs780409557, ClinGen allele CA346361812.

ClinVar aggregate classification (germline): Uncertain significance (1 of 4 stars; one submission).

Conditions:
Cardiovascular phenotype. Identifiers: MedGen CN230736.

Submission:

Ambry Genetics
Classification: Uncertain significance for Cardiovascular phenotype. Last evaluated: 2022-09-26. Review status: criteria provided, single submitter. Criteria: Ambry Variant Classification Scheme 2023. Collection method: clinical testing. Allele origin: germline.
Comment: The p.E954Q variant (also known as c.2860G>C), located in coding exon 18 of the SOS1 gene, results from a G to C substitution at nucleotide position 2860. The glutamic acid at codon 954 is replaced by glutamine, an amino acid with highly similar properties. This amino acid position is conserved. In addition, this alteration is predicted to be tolerated by in silico analysis. Since supporting evidence is limited at this time, the clinical significance of this alteration remains unclear.